The following is an entry in ClinVar:

NM_181882.3(PRX):c.3901G>A (p.Gly1301Arg)

Gene: PRX (periaxin; minus strand). Cytogenetic location: 19q13.2.
Variant type: single nucleotide variant.
Coding change: c.3901G>A on transcript NM_181882.3 (MANE Select); coding-DNA position 3901, G replaced by A.
Protein change: p.Gly1301Arg; replaces glycine 1301 with arginine.
Molecular consequence: missense variant. On other transcripts: 3 prime UTR variant (1).
Genome position (GRCh38, 1-based): chr19:40,394,451, C>T on the plus strand (G>A on the coding strand, the complement: PRX is on the minus strand). VCF-style: chr19-40394451-C-T. GRCh37 (hg19) VCF-style: chr19-40900358-C-T.
Other names: c.*4106G>A (NM_020956.2); short protein forms G1301R.
Identifiers: ClinVar variation 837973 (VCV000837973.9), dbSNP rs749251511, ClinGen allele CA9443748.
Genomic context (GRCh38, chr19:40,394,451, plus strand): 5'-CGGCCCCCTCCTTGGCCCGCACCAGGCCAAACCGGGGCAGCCGTACCTTGAGCTTGTGTC[C>T]GGCCTCTCCCTCCCCCTCTGCCACCTGGTACTCGGCATGGTTGCCCCCGGATGGCGAGAG-3'
Protein context (NP_870998.2, residues 1291-1311): YQVAEGEGEA[Gly1301Arg]HKLKVRLPRF

ClinVar aggregate classification (germline): Conflicting classifications of pathogenicity. Review status: criteria provided, conflicting classifications (1 of 4 stars). 3 submissions from 3 submitters: Uncertain significance (2); Likely benign (1). Last evaluated 2024-02-26.

Conditions:
Inborn genetic diseases. Identifiers: MedGen C0950123, MeSH D030342.
Charcot-Marie-Tooth disease. Also called: Charcot-Marie-Tooth Neuropathy; Charcot-Marie-Tooth Hereditary Neuropathy. Identifiers: Orphanet 166, MedGen C0007959, MONDO:0015626.
Charcot-Marie-Tooth disease type 4. Also called: Charcot-Marie-Tooth, Type 4; Charcot-Marie-Tooth disease, type IV. Identifiers: Orphanet 64749, MedGen C4082197, MONDO:0018995.

Allele frequency attached by ClinVar (database versions not stated): gnomAD exomes below 0.00001 and 0.00001; ExAC 0.00001; gnomAD 0.00001; TOPMed 0.00002.
gnomAD v4.1: 6 of 1,601,536 alleles (0.00037%); highest among the groups gnomAD compares: African/African-American, 0.0027%; no homozygotes.

Submissions (3):

Ambry Genetics
Classification: Likely benign for Inborn genetic diseases. Last evaluated: 2024-02-26. Review status: criteria provided, single submitter. Criteria: Ambry Variant Classification Scheme 2023. Collection method: clinical testing. Allele origin: germline.

Labcorp Genetics (formerly Invitae), Labcorp
Classification: Uncertain significance for Charcot-Marie-Tooth disease type 4. Last evaluated: 2022-06-15. Review status: criteria provided, single submitter. Criteria: Invitae Variant Classification Sherloc (09022015). Collection method: clinical testing. Allele origin: germline.
Comment: This sequence change replaces glycine, which is neutral and non-polar, with arginine, which is basic and polar, at codon 1301 of the PRX protein (p.Gly1301Arg). The frequency data for this variant in the population databases is considered unreliable, as metrics indicate poor data quality at this position in the gnomAD database. This variant has not been reported in the literature in individuals affected with PRX-related conditions. ClinVar contains an entry for this variant (Variation ID: 837973). Algorithms developed to predict the effect of missense changes on protein structure and function are either unavailable or do not agree on the potential impact of this missense change (SIFT: "Tolerated"; PolyPhen-2: "Probably Damaging"; Align-GVGD: "Class C0"). In summary, the available evidence is currently insufficient to determine the role of this variant in disease. Therefore, it has been classified as a Variant of Uncertain Significance.

Molecular Genetics Laboratory, London Health Sciences Centre
Classification: Uncertain significance for Charcot-Marie-Tooth disease. Review status: criteria provided, single submitter. Criteria: ACMG Guidelines, 2015. Collection method: clinical testing. Allele origin: germline. Affected: yes.